The following is an entry in ClinVar:

ClinVar aggregate classification (germline): Uncertain significance (1 of 4 stars; one submission).

Conditions:
Telangiectasia, hereditary hemorrhagic, type 5 (HHT5). Identifiers: Orphanet 774, MedGen C3809710, MONDO:0014217, OMIM 615506.

Submission:

Labcorp Genetics (formerly Invitae), Labcorp
Classification: Uncertain significance for Telangiectasia, hereditary hemorrhagic, type 5. Last evaluated: 2019-06-18. Review status: criteria provided, single submitter. Criteria: Invitae Variant Classification Sherloc (09022015). Collection method: clinical testing. Allele origin: germline.
Comment: This variant results in a copy number gain of the genomic region encompassing the full coding sequence of the GDF2 gene. The boundaries of this event are unknown as they extend beyond the assayed region for this gene and therefore may encompass additional genes. As the precise location of this event is unknown, it may be in tandem or it may be located elsewhere in the genome. This variant has not been reported in the literature in individuals with GDF2-related conditions. In summary, the available evidence is currently insufficient to determine the role of this variant in disease. Therefore, it has been classified as a Variant of Uncertain Significance.

NC_000010.10:g.(?_48413568)_(48416703_?)dup

Gene: GDF2 (growth differentiation factor 2; plus strand). Cytogenetic location: 10q11.22.
Variant type: Duplication.
Identifiers: ClinVar variation 830676 (VCV000830676.2).